The following is an entry in ClinVar:

NM_001304548.2(CFAP47):c.8668C>A (p.Pro2890Thr)

Gene: CFAP47 (cilia and flagella associated protein 47; plus strand). Cytogenetic location: Xp21.1.
Variant type: single nucleotide variant.
Coding change: c.8668C>A on transcript NM_001304548.2 (MANE Select); coding-DNA position 8668, C replaced by A.
Protein change: p.Pro2890Thr; replaces proline 2890 with threonine.
Molecular consequence: missense variant.
Genome position (GRCh38, 1-based): chrX:36,350,102, C>A. VCF-style: chrX-36350102-C-A. GRCh37 (hg19) VCF-style: chrX-36368217-C-A.
Other names: short protein forms P2890T.
Identifiers: ClinVar variation 996918 (VCV000996918.2), dbSNP rs1317932026, ClinGen allele CA412698742.

ClinVar aggregate classification (germline): no classifications from unflagged records (0 of 4 stars; one submission).

Conditions:
Spermatogenic failure, X-linked, 3. Identifiers: MedGen C5542347, MONDO:0025354, OMIM 301059.

Allele frequency attached by ClinVar (database versions not stated): gnomAD exomes below 0.00001 and 0.00001; TOPMed 0.00002.
gnomAD v4.1: 2 of 1,156,574 alleles (0.00017%); highest among the groups gnomAD compares: East Asian, 0.0033%; no homozygotes.

Submission:

OMIM
Classification: Pathogenic for SPERMATOGENIC FAILURE, X-LINKED, 3. Last evaluated: 2021-02-17. Review status: flagged submission. Collection method: literature only. Allele origin: germline.
ClinVar note: Notes: Flagging candidate with reason of insufficient supporting evidence. This gene has been classified as having a limited gene-disease relationship by a ClinGen Expert Panel.
ClinVar note: Reason: P/LP classification for a variant in a gene with insufficient evidence for a gene-disease relationship

Literature cited by the submitters: PubMed 33472045.